The following is an entry in ClinVar:

NM_000179.3(MSH6):c.2751C>A (p.Asp917Glu)

Gene: MSH6 (mutS homolog 6; plus strand). Cytogenetic location: 2p16.3.
Variant type: single nucleotide variant.
Coding change: c.2751C>A on transcript NM_000179.3 (MANE Select); coding-DNA position 2751, C replaced by A.
Protein change: p.Asp917Glu; replaces aspartic acid 917 with glutamic acid.
Molecular consequence: missense variant.
Genome position (GRCh38, 1-based): chr2:47,800,734, C>A. VCF-style: chr2-47800734-C-A. GRCh37 (hg19) VCF-style: chr2-48027873-C-A.
Other names: c.2361C>A, p.Asp787Glu (NM_001281492.2); c.1845C>A, p.Asp615Glu (NM_001281493.2, NM_001281494.2, NM_001406811.1 and 6 more transcripts); c.2847C>A, p.Asp949Glu (NM_001406795.1, NM_001406802.1); c.2751C>A, p.Asp917Glu (NM_001406796.1, NM_001406798.1, NM_001406800.1 and 2 more transcripts); c.2454C>A, p.Asp818Glu (NM_001406797.1, NM_001406801.1, NM_001406805.1 and 10 more transcripts); c.2226C>A, p.Asp742Glu (NM_001406799.1, NM_001406806.1, NM_001406807.1); c.2673C>A, p.Asp891Glu (NM_001406804.1); c.2757C>A, p.Asp919Glu (NM_001406813.1); and 2 more; short protein forms D818E, D742E, D861E, D232E, D615E, D787E, D917E, D891E.
Identifiers: ClinVar variation 1795566 (VCV001795566.3), dbSNP rs753967199, ClinGen allele CA346755419.

ClinVar aggregate classification (germline): Uncertain significance. Review status: criteria provided, multiple submitters, no conflicts (2 of 4 stars). 2 submissions from 2 submitters: Uncertain significance (2). Last evaluated 2025-04-24.

Conditions:
Hereditary cancer-predisposing syndrome. Also called: Tumor predisposition; Hereditary Cancer Syndrome; Neoplastic Syndromes, Hereditary; Hereditary neoplastic syndrome. Identifiers: Orphanet 140162, MedGen C0027672, MeSH D009386, MONDO:0015356.
Hereditary nonpolyposis colorectal neoplasms. Identifiers: MedGen C0009405, MeSH D003123.

gnomAD v4.1: 1 of 1,614,050 alleles (0.000062%); highest among the groups gnomAD compares: Non-Finnish European, 0.000085%; no homozygotes.

Submissions (2):

Labcorp Genetics (formerly Invitae), Labcorp
Classification: Uncertain significance for Hereditary nonpolyposis colorectal neoplasms. Last evaluated: 2025-04-24. Review status: criteria provided, single submitter. Criteria: Invitae Variant Classification Sherloc (09022015). Collection method: clinical testing. Allele origin: germline.
Comment: This sequence change replaces aspartic acid, which is acidic and polar, with glutamic acid, which is acidic and polar, at codon 917 of the MSH6 protein (p.Asp917Glu). This variant is not present in population databases (gnomAD no frequency). This variant has not been reported in the literature in individuals affected with MSH6-related conditions. ClinVar contains an entry for this variant (Variation ID: 1795566). Invitae Evidence Modeling of protein sequence and biophysical properties (such as structural, functional, and spatial information, amino acid conservation, physicochemical variation, residue mobility, and thermodynamic stability) indicates that this missense variant is not expected to disrupt MSH6 protein function with a negative predictive value of 95%. In summary, the available evidence is currently insufficient to determine the role of this variant in disease. Therefore, it has been classified as a Variant of Uncertain Significance.

Ambry Genetics
Classification: Uncertain significance for Hereditary cancer-predisposing syndrome. Last evaluated: 2020-03-11. Review status: criteria provided, single submitter. Criteria: Ambry Variant Classification Scheme 2023. Collection method: clinical testing. Allele origin: germline.
Comment: The p.D917E variant (also known as c.2751C>A), located in coding exon 4 of the MSH6 gene, results from a C to A substitution at nucleotide position 2751. The aspartic acid at codon 917 is replaced by glutamic acid, an amino acid with highly similar properties. This amino acid position is highly conserved in available vertebrate species. In addition, this alteration is predicted to be deleterious by in silico analysis. Since supporting evidence is limited at this time, the clinical significance of this alteration remains unclear.